The following is an entry in ClinVar:

ClinVar aggregate classification (germline): Pathogenic (1 of 4 stars; one submission).

Submission:

Labcorp Genetics (formerly Invitae), Labcorp
Classification: Pathogenic. Last evaluated: 2023-10-29. Review status: criteria provided, single submitter. Criteria: Invitae Variant Classification Sherloc (09022015). Collection method: clinical testing. Allele origin: germline.
Comment: This sequence change creates a premature translational stop signal (p.Gly2780_Ser2781delinsTyrLysLeu*) in the EYS gene. While this is not anticipated to result in nonsense mediated decay, it is expected to disrupt the last 365 amino acid(s) of the EYS protein. This variant is not present in population databases (gnomAD no frequency). This variant has not been reported in the literature in individuals affected with EYS-related conditions. ClinVar contains an entry for this variant (Variation ID: 1453873). This variant disrupts a region of the EYS protein in which other variant(s) (p.Tyr3135*) have been determined to be pathogenic (PMID: 18976725, 29159838, 30337596, 31074760). This suggests that this is a clinically significant region of the protein, and that variants that disrupt it are likely to be disease-causing. For these reasons, this variant has been classified as Pathogenic.

Literature cited by the submitters: PubMed 18976725; PubMed 29159838; PubMed 30337596; PubMed 31074760.

NM_001142800.2(EYS):c.8338_8342delinsTATAAACTATAACTATAAACTATAAACTATAAACTATAAACTATAAACTATAAACTATA (p.Gly2780_Ser2781delinsTyrLysLeuTer)

Genes: EYS (EGF-like photoreceptor maintenance factor; minus strand), PHF3 (PHD finger protein 3; plus strand). Cytogenetic location: 6q12.
Variant type: Indel.
Coding change: c.8338_8342delinsTATAAACTATAACTATAAACTATAAACTATAAACTATAAACTATAAACTATAAACTATA on transcript NM_001142800.2 (MANE Select); coding-DNA positions 8338 to 8342, the reference bases replaced by an inserted sequence.
Protein change: p.Gly2780_Ser2781delinsTyrLysLeuTer.
Molecular consequence: nonsense. On other transcripts: 3 prime UTR variant (5).
Genome position (GRCh38, 1-based): chr6:63,721,689-63,721,693, 5 bases replaced. GRCh37 (hg19): chr6:64,431,585-64,431,589.
Other names: c.*7981_*7985delinsTATAGTTTATAGTTTATAGTTTATAGTTTATAGTTTATAGTTTATAGTTATAGTTTATA (NM_001290259.2, NM_001370348.2, NM_001370349.2 and 2 more transcripts); c.8401_8405delinsTATAAACTATAACTATAAACTATAAACTATAAACTATAAACTATAAACTATAAACTATA, p.Gly2801_Ser2802delinsTyrLysLeuTer (NM_001292009.2).
Identifiers: ClinVar variation 1453873 (VCV001453873.6), dbSNP rs2149625502, ClinGen allele CA2573141299.